The following is an entry in ClinVar:

ClinVar aggregate classification (germline): Conflicting classifications of pathogenicity. Review status: criteria provided, conflicting classifications (1 of 4 stars). 2 submissions from 2 submitters: Likely pathogenic (1); Uncertain significance (1). Last evaluated 2026-04-23.

Conditions:
Hereditary cancer-predisposing syndrome. Also called: Hereditary Cancer Syndrome; Hereditary neoplastic syndrome; Neoplastic Syndromes, Hereditary; Tumor predisposition. Identifiers: Orphanet 140162, MedGen C0027672, MeSH D009386, MONDO:0015356.
Pheochromocytoma. Also called: MAX-Related Hereditary Paraganglioma-Pheochromocytoma Syndrome. Identifiers: Orphanet 29072, MedGen C0031511, MONDO:0008233, OMIM 171300, HP:0002666.
Gastrointestinal stromal tumor. Also called: Gastrointestinal stroma tumor; Gastrointestinal stromal tumor, somatic. Identifiers: Orphanet 44890, MedGen C0238198, MeSH D046152, MONDO:0011719, OMIM 606764, HP:0100723.
Pheochromocytoma/paraganglioma syndrome 4. Also called: CAROTID BODY TUMORS AND MULTIPLE EXTRAADRENAL PHEOCHROMOCYTOMAS; PARAGANGLIOMA, FAMILIAL MALIGNANT; PARAGANGLIOMAS, HEREDITARY EXTRAADRENAL; PHEOCHROMOCYTOMA, FAMILIAL EXTRAADRENAL; Paragangliomas 4; SDHB-Related Hereditary Paraganglioma-Pheochromocytoma Syndrome (Paragangliomas 4). Identifiers: Orphanet 29072, MedGen C1861848, MONDO:0007273, OMIM 115310.

Submissions (2):

Ambry Genetics
Classification: Likely pathogenic for Hereditary cancer-predisposing syndrome. Last evaluated: 2026-04-23. Review status: criteria provided, single submitter. Criteria: Ambry Variant Classification Scheme 2023. Collection method: clinical testing. Allele origin: germline.
Comment: The c.287-6_287-3delTTTC intronic variant, located in intron 3 of the SDHB gene, results from a deletion of 4 nucleotides within intron 3 of the SDHB gene. This variant was reported in individual(s) with features consistent with SDHB-related hereditary pheochromocytoma-paraganglioma (Buffet A et al. Horm Metab Res, 2012 May;44:359-66; Gimenez-Roqueplo AP et al. J Clin Endocrinol Metab, 2013 Jan;98:E162-73). Other variant(s) impacting the same acceptor site (c.287-1G>C, c.287-2A>G, c.287-3C>G) have been identified in individual(s) with features consistent with hereditary pheochromocytoma-paraganglioma (Neumann HP et al. JAMA, 2004 Aug;292:943-51; Timmers HJ et al. J Clin Endocrinol Metab, 2007 Mar;92:779-86; D&iacute;az-Soto G et al. Med Clin (Barc), 2013 May;140:453-7; Ambry internal data). This nucleotide region is not well conserved in available vertebrate species. In silico splice site analysis predicts that c.287-6_287-3delTTTC will weaken the native splice acceptor site. This variant is considered to be rare based on population cohorts in the Genome Aggregation Database (gnomAD). Based on the majority of available evidence to date, this variant is likely to be pathogenic.

Labcorp Genetics (formerly Invitae), Labcorp
Classification: Uncertain significance for Gastrointestinal stromal tumor; Pheochromocytoma/paraganglioma syndrome 4; Pheochromocytoma. Last evaluated: 2025-10-23. Review status: criteria provided, single submitter. Criteria: Invitae Variant Classification Sherloc (09022015). Collection method: clinical testing. Allele origin: germline.
Comment: This sequence change falls in intron 3 of the SDHB gene. It does not directly change the encoded amino acid sequence of the SDHB protein. This variant is not present in population databases (gnomAD no frequency). This variant has not been reported in the literature in individuals affected with SDHB-related conditions. Algorithms developed to predict the effect of sequence changes on RNA splicing suggest that this variant may disrupt the consensus splice site. In summary, the available evidence is currently insufficient to determine the role of this variant in disease. Therefore, it has been classified as a Variant of Uncertain Significance.

Literature cited by the submitters: PubMed 22517557 (cited by Ambry Genetics); PubMed 23162105 (cited by Ambry Genetics).

NM_003000.3(SDHB):c.287-6_287-3del

Gene: SDHB (succinate dehydrogenase complex iron sulfur subunit B; minus strand). Cytogenetic location: 1p36.13.
Variant type: Deletion.
Coding change: c.287-6_287-3del on transcript NM_003000.3 (MANE Select); 6 bases into the intron before coding-DNA position 287 through 3 bases into the intron before coding-DNA position 287, 4 bases deleted (TTTC; older notation c.287-6_287-3delTTTC).
Molecular consequence: intron variant.
Genome position (GRCh38, 1-based): chr1:17,028,739-17,028,742, GAAA deleted on the plus strand (TTTC on the coding strand, the reverse complement: SDHB is on the minus strand); deleting any 4 consecutive bases within chr1:17,028,739-17,028,744 gives the same sequence; the c. name uses the placement nearest the transcript's 3' end. VCF-style (leftmost placement, unchanged base first): chr1-17028738-TGAAA-T. GRCh37 (hg19) VCF-style: chr1-17355233-TGAAA-T.
Other names: c.287-6_287-3delTTTC (NM_003000.2); c.287-6_287-3del (NM_001407361.1).
Identifiers: ClinVar variation 4783512 (VCV004783512.3).